The following is an entry in ClinVar:

ClinVar aggregate classification (germline): Uncertain significance. Review status: criteria provided, multiple submitters, no conflicts (2 of 4 stars). 2 submissions from 2 submitters: Uncertain significance (2). Last evaluated 2024-08-06.

Conditions:
Ehlers-Danlos syndrome, type 4 (EDSVASC). Also called: Ehlers-Danlos syndrome vascular type; Ehlers Danlos syndrome, ecchymotic type; Ehlers Danlos syndrome, arterial type; Ehlers Danlos syndrome, Sack-Barabas type; Ehlers-Danlos Syndrome Type IV. Identifiers: Orphanet 286, MedGen C0268338, MONDO:0017314, OMIM 130050.

gnomAD v4.1: 2 of 1,595,272 alleles (0.00013%); highest among the groups gnomAD compares: Admixed American, 0.0036%; no homozygotes.

Submissions (2):

All of Us Research Program, National Institutes of Health
Classification: Uncertain significance for Ehlers-Danlos syndrome, type 4. Last evaluated: 2024-08-06. Review status: criteria provided, single submitter. Criteria: ACMG Guidelines, 2015. Collection method: clinical testing. Allele origin: germline. Inheritance: Autosomal dominant inheritance. Observed: 1 variant allele, 1 heterozygote.
Comment: This study involves interpretation of variants in research participants for the purpose of population health screening. Participant phenotype was not available at the time of variant classification. Additional details can be found in publication PMID: 35346344, PMCID: PMC8962531

GeneDx
Classification: Uncertain significance. Last evaluated: 2024-04-17. Review status: criteria provided, single submitter. Criteria: GeneDx Variant Classification Process June 2021. Collection method: clinical testing. Allele origin: germline. Affected: yes.
Comment: Has not been previously published as pathogenic or benign to our knowledge; Not observed at significant frequency in large population cohorts (gnomAD); In silico analysis indicates that this missense variant does not alter protein structure/function

NM_000090.4(COL3A1):c.2254G>A (p.Asp752Asn)

Gene: COL3A1 (collagen type III alpha 1 chain; plus strand). Cytogenetic location: 2q32.2.
Variant type: single nucleotide variant.
Coding change: c.2254G>A on transcript NM_000090.4 (MANE Select); coding-DNA position 2254, G replaced by A.
Protein change: p.Asp752Asn; replaces aspartic acid 752 with asparagine.
Molecular consequence: missense variant.
Genome position (GRCh38, 1-based): chr2:188,999,866, G>A. VCF-style: chr2-188999866-G-A. GRCh37 (hg19) VCF-style: chr2-189864592-G-A.
Other names: short protein forms D752N.
Identifiers: ClinVar variation 3372699 (VCV003372699.2).